The following is an entry in ClinVar:

NM_172250.3(MMAA):c.941G>A (p.Arg314His)

Gene: MMAA (metabolism of cobalamin associated A; plus strand). Cytogenetic location: 4q31.21.
Variant type: single nucleotide variant.
Coding change: c.941G>A on transcript NM_172250.3 (MANE Select); coding-DNA position 941, G replaced by A.
Protein change: p.Arg314His; replaces arginine 314 with histidine.
Molecular consequence: missense variant.
Genome position (GRCh38, 1-based): chr4:145,654,115, G>A. VCF-style: chr4-145654115-G-A. GRCh37 (hg19) VCF-style: chr4-146575267-G-A.
Other names: c.941G>A, p.Arg314His (NM_001375644.1); short protein forms R314H.
Identifiers: ClinVar variation 1209642 (VCV001209642.6), dbSNP rs148142853, ClinGen allele CA3095312.

ClinVar aggregate classification (germline): Uncertain significance. Review status: criteria provided, multiple submitters, no conflicts (2 of 4 stars). 3 submissions from 3 submitters: Uncertain significance (3). Last evaluated 2025-11-03.

Conditions:
Methylmalonic aciduria, cblA type (MACA). Also called: Vitamin B12-responsive methylmalonic acidemia type cblA; Methylmalonic aciduria, vitamin b12-responsive, due to defect in synthesis of adenosylcobalamin, cbla complementation type; MMA cbl A type; Methylmalonic acidemia cblA type; Methylmalonic aciduria, vitamin B12-responsive. Identifiers: Orphanet 28, Orphanet 79310, MedGen C1855109, MONDO:0009613, OMIM 251100.

Allele frequency attached by ClinVar (database versions not stated): ExAC 0.00007; TOPMed 0.00007; gnomAD exomes 0.00010; gnomAD 0.00011 and 0.00012; ESP Exome Variant Server 0.00023.
gnomAD v4.1: 273 of 1,613,986 alleles (0.017%); highest among the groups gnomAD compares: Middle Eastern, 0.033%; 1 homozygote.

Submissions (3):

Women's Health and Genetics/Laboratory Corporation of America, LabCorp
Classification: Uncertain significance. Last evaluated: 2025-11-03. Review status: criteria provided, single submitter. Criteria: LabCorp Variant Classification Summary - May 2015. Collection method: clinical testing. Allele origin: germline.
Comment: Variant summary: MMAA c.941G>A (p.Arg314His) results in a non-conservative amino acid change in the encoded protein sequence. Algorithms developed to predict the effect of missense changes on protein structure and function all suggest that this variant is likely to be disruptive. The variant allele was found at a frequency of 9.9e-05 in 251450 control chromosomes (gnomAD). This frequency is not significantly higher than estimated for disease-causing variants in MMAA, allowing no conclusion about variant significance. c.941G>A has been observed in one individual affected with Neural tube defect (Renard_2019). The report does not provide unequivocal conclusions about association of the variant with Methylmalonic Acidemia. To our knowledge, no experimental evidence demonstrating an impact on protein function has been reported. The following publication have been ascertained in the context of this evaluation (PMID: 31139930). ClinVar contains an entry for this variant (Variation ID: 1209642). Based on the evidence outlined above, the variant was classified as uncertain significance.

Labcorp Genetics (formerly Invitae), Labcorp
Classification: Uncertain significance for Methylmalonic aciduria, cblA type. Last evaluated: 2022-02-28. Review status: criteria provided, single submitter. Criteria: Invitae Variant Classification Sherloc (09022015). Collection method: clinical testing. Allele origin: germline.
Comment: This sequence change replaces arginine, which is basic and polar, with histidine, which is basic and polar, at codon 314 of the MMAA protein (p.Arg314His). This variant is present in population databases (rs148142853, gnomAD 0.01%). This variant has not been reported in the literature in individuals affected with MMAA-related conditions. ClinVar contains an entry for this variant (Variation ID: 1209642). Algorithms developed to predict the effect of missense changes on protein structure and function are either unavailable or do not agree on the potential impact of this missense change (SIFT: "Deleterious"; PolyPhen-2: "Benign"; Align-GVGD: "Class C0"). In summary, the available evidence is currently insufficient to determine the role of this variant in disease. Therefore, it has been classified as a Variant of Uncertain Significance.

Genome-Nilou Lab
Classification: Uncertain significance for Methylmalonic aciduria, cblA type. Last evaluated: 2021-07-14. Review status: criteria provided, single submitter. Criteria: ACMG Guidelines, 2015. Collection method: clinical testing. Allele origin: germline. Affected: no.

Literature cited by the submitters: PubMed 31139930 (cited by Women's Health and Genetics/Laboratory Corporation of America, LabCorp).